The following is an entry in ClinVar:

ClinVar aggregate classification (germline): Uncertain significance (1 of 4 stars; one submission).

Allele frequency attached by ClinVar (database versions not stated): gnomAD 0.00001; TOPMed 0.00001.
gnomAD v4.1: 1 of 1,613,836 alleles (0.000062%); highest among the groups gnomAD compares: African/African-American, 0.0013%; no homozygotes.

Submission:

GeneDx
Classification: Uncertain significance. Last evaluated: 2023-05-04. Review status: criteria provided, single submitter. Criteria: GeneDx Variant Classification Process June 2021. Collection method: clinical testing. Allele origin: germline. Affected: yes.
Comment: Not observed at significant frequency in large population cohorts (gnomAD); In silico analysis supports that this missense variant has a deleterious effect on protein structure/function; Has not been previously published as pathogenic or benign to our knowledge

NM_016333.4(SRRM2):c.1651A>G (p.Arg551Gly)

Gene: SRRM2 (serine/arginine repetitive matrix 2; plus strand). Cytogenetic location: 16p13.3.
Variant type: single nucleotide variant.
Coding change: c.1651A>G on transcript NM_016333.4 (MANE Select); coding-DNA position 1651, A replaced by G.
Protein change: p.Arg551Gly; replaces arginine 551 with glycine.
Molecular consequence: missense variant.
Genome position (GRCh38, 1-based): chr16:2,762,179, A>G. VCF-style: chr16-2762179-A-G. GRCh37 (hg19) VCF-style: chr16-2812180-A-G.
Other names: short protein forms R551G.
Identifiers: ClinVar variation 2661948 (VCV002661948.1), dbSNP rs1386134121, ClinGen allele CA394409767.